The following is an entry in ClinVar:

NM_001354604.2(MITF):c.682G>A (p.Asp228Asn)

Gene: MITF (melanocyte inducing transcription factor; plus strand). Cytogenetic location: 3p13.
Variant type: single nucleotide variant.
Coding change: c.682G>A on transcript NM_001354604.2 (MANE Select); coding-DNA position 682, G replaced by A.
Protein change: p.Asp228Asn; replaces aspartic acid 228 with asparagine.
Molecular consequence: missense variant.
Genome position (GRCh38, 1-based): chr3:69,941,251, G>A. VCF-style: chr3-69941251-G-A. GRCh37 (hg19) VCF-style: chr3-69990402-G-A.
Other names: c.361G>A, p.Asp121Asn (NM_000248.4, NM_198158.3); c.526G>A, p.Asp176Asn (NM_001184967.2, NM_001354608.2); c.679G>A, p.Asp227Asn (NM_001354605.2, NM_001354606.2, NM_006722.3); c.631G>A, p.Asp211Asn (NM_001354607.2); c.682G>A, p.Asp228Asn (NM_198159.3); c.634G>A, p.Asp212Asn (NM_198177.3); c.193G>A, p.Asp65Asn (NM_198178.3); short protein forms D121N, D176N, D211N, D212N, D227N, D228N, D65N.
Identifiers: ClinVar variation 1723701 (VCV001723701.9), dbSNP rs765051386, ClinGen allele CA2490441.
Genomic context (GRCh38, chr3:69,941,251, plus strand): 5'-AGTTTATTTATTTTTGTCTCTCTTCTCTTACCCTTTTTCCTACAGATGGATGATGTAATC[G>A]ATGACATCATTAGCCTAGAATCAAGTTATAATGAGGAAATCTTGGGCTTGATGGATCCTG-3'
Protein context (NP_001341533.1, residues 218-238): ASCMQMDDVI[Asp228Asn]DIISLESSYN

ClinVar aggregate classification (germline): Uncertain significance. Review status: criteria provided, multiple submitters, no conflicts (2 of 4 stars). 3 submissions from 3 submitters: Uncertain significance (3). Last evaluated 2025-11-12.

Conditions:
Melanoma, cutaneous malignant, susceptibility to, 8. Also called: Cutaneous malignant melanoma 8; MELANOMA AND RENAL CELL CARCINOMA, SUSCEPTIBILITY TO. Identifiers: Orphanet 293822, MedGen C3152204, MONDO:0013759, OMIM 614456.
Tietz syndrome (TADS). Also called: HYPOPIGMENTATION/DEAFNESS OF TIETZ; ALBINISM-DEAFNESS OF TIETZ; TIETZ ALBINISM-DEAFNESS SYNDROME. Identifiers: Orphanet 42665, MedGen C0391816, MONDO:0007077, OMIM 103500.
Waardenburg syndrome type 2A (WS2A). Also called: WAARDENBURG SYNDROME WITHOUT DYSTOPIA CANTHORUM. Identifiers: Orphanet 3440, MedGen C1860339, MONDO:0008671, OMIM 193510.
Hereditary cancer-predisposing syndrome. Also called: Neoplastic Syndromes, Hereditary; Tumor predisposition; Hereditary neoplastic syndrome; Hereditary Cancer Syndrome. Identifiers: Orphanet 140162, MedGen C0027672, MeSH D009386, MONDO:0015356.

Allele frequency attached by ClinVar (database versions not stated): gnomAD 0.00001; gnomAD exomes 0.00001; TOPMed 0.00002; ExAC 0.00003.

Submissions (3):

Labcorp Genetics (formerly Invitae), Labcorp
Classification: Uncertain significance for Melanoma, cutaneous malignant, susceptibility to, 8; Waardenburg syndrome type 2A; Tietz syndrome. Last evaluated: 2025-11-12. Review status: criteria provided, single submitter. Criteria: Invitae Variant Classification Sherloc (09022015). Collection method: clinical testing. Allele origin: germline.
Comment: This sequence change replaces aspartic acid, which is acidic and polar, with asparagine, which is neutral and polar, at codon 121 of the MITF protein (p.Asp121Asn). This variant is present in population databases (rs765051386, gnomAD 0.02%). This variant has not been reported in the literature in individuals affected with MITF-related conditions. ClinVar contains an entry for this variant (Variation ID: 1723701). Invitae Evidence Modeling of protein sequence and biophysical properties (such as structural, functional, and spatial information, amino acid conservation, physicochemical variation, residue mobility, and thermodynamic stability) indicates that this missense variant is not expected to disrupt MITF protein function with a negative predictive value of 80%. In summary, the available evidence is currently insufficient to determine the role of this variant in disease. Therefore, it has been classified as a Variant of Uncertain Significance.

Ambry Genetics
Classification: Uncertain significance for Hereditary cancer-predisposing syndrome. Last evaluated: 2025-02-28. Review status: criteria provided, single submitter. Criteria: Ambry Variant Classification Scheme 2023. Collection method: clinical testing. Allele origin: germline.
Comment: The p.D121N variant (also known as c.361G>A), located in coding exon 4 of the MITF gene, results from a G to A substitution at nucleotide position 361. The aspartic acid at codon 121 is replaced by asparagine, an amino acid with highly similar properties. This amino acid position is conserved. In addition, this alteration is predicted to be tolerated by in silico analysis. Based on the available evidence, the clinical significance of this variant remains unclear.

GeneDx
Classification: Uncertain significance. Last evaluated: 2022-05-12. Review status: criteria provided, single submitter. Criteria: GeneDx Variant Classification Process June 2021. Collection method: clinical testing. Allele origin: germline. Affected: yes.
Comment: In silico analysis supports that this missense variant has a deleterious effect on protein structure/function; Has not been previously published as pathogenic or benign to our knowledge